The following is an entry in ClinVar:

ClinVar aggregate classification (germline): Likely pathogenic (1 of 4 stars; one submission).

Conditions:
Familial visceral amyloidosis, Ostertag type (AMYLD2). Also called: Hereditary Renal Amyloidosis; AMYLOIDOSIS, HEREDITARY SYSTEMIC 2; AMYLOIDOSIS VIII; Ostertag type amyloidosis; Familial visceral amyloidosis; Amyloidosis, hepatic and systemic. Identifiers: Orphanet 85450, MedGen C0268389, MONDO:0007099, OMIM 105200.

Submission:

Laboratory of Medical Genetics, National & Kapodistrian University of Athens
Classification: Likely pathogenic for Familial visceral amyloidosis, Ostertag type. Last evaluated: 2023-03-31. Review status: criteria provided, single submitter. Criteria: ACMG Guidelines, 2015. Collection method: clinical testing. Allele origin: germline. Affected: yes.
Comment: PVS1, PM2

NM_000039.3(APOA1):c.126C>G (p.Tyr42Ter)

Genes: APOA1-AS (APOA1 antisense RNA; plus strand), APOA1 (apolipoprotein A1; minus strand). Cytogenetic location: 11q23.3.
Variant type: single nucleotide variant.
Coding change: c.126C>G on transcript NM_000039.3 (MANE Select); coding-DNA position 126, C replaced by G.
Protein change: p.Tyr42Ter; replaces tyrosine 42 with a stop codon.
Molecular consequence: nonsense.
Genome position (GRCh38, 1-based): chr11:116,837,075, G>C on the plus strand (C>G on the coding strand, the complement: APOA1 is on the minus strand). VCF-style: chr11-116837075-G-C. GRCh37 (hg19) VCF-style: chr11-116707791-G-C.
Other names: c.126C>G, p.Tyr42Ter (NM_001318017.2, NM_001318018.2); c.-202C>G (NM_001318021.2); short protein forms Y42*.
Identifiers: ClinVar variation 2572647 (VCV002572647.1), dbSNP rs1591331259, ClinGen allele CA382719292.